The following is an entry in ClinVar:

ClinVar aggregate classification (germline): Uncertain significance. Review status: criteria provided, multiple submitters, no conflicts (2 of 4 stars). 2 submissions from 2 submitters: Uncertain significance (2). Last evaluated 2025-11-24.

Conditions:
Inborn genetic diseases. Identifiers: MedGen C0950123, MeSH D030342.

Allele frequency attached by ClinVar (database versions not stated): gnomAD 0.00001; gnomAD exomes 0.00001 and 0.00002; TOPMed 0.00002; ExAC 0.00001.
gnomAD v4.1: 14 of 1,612,796 alleles (0.00087%); highest among the groups gnomAD compares: Admixed American, 0.0083%; no homozygotes.

Submissions (2):

Ambry Genetics
Classification: Uncertain significance for Inborn genetic diseases. Last evaluated: 2025-11-24. Review status: criteria provided, single submitter. Criteria: Ambry Variant Classification Scheme 2023. Collection method: clinical testing. Allele origin: germline.

Labcorp Genetics (formerly Invitae), Labcorp
Classification: Uncertain significance. Last evaluated: 2022-07-12. Review status: criteria provided, single submitter. Criteria: Invitae Variant Classification Sherloc (09022015). Collection method: clinical testing. Allele origin: germline.
Comment: This sequence change replaces aspartic acid, which is acidic and polar, with histidine, which is basic and polar, at codon 1648 of the LCT protein (p.Asp1648His). This variant is present in population databases (rs772515068, gnomAD 0.009%). This variant has not been reported in the literature in individuals affected with LCT-related conditions. ClinVar contains an entry for this variant (Variation ID: 1473715). Algorithms developed to predict the effect of missense changes on protein structure and function are either unavailable or do not agree on the potential impact of this missense change (SIFT: "Not Available"; PolyPhen-2: "Benign"; Align-GVGD: "Not Available"). In summary, the available evidence is currently insufficient to determine the role of this variant in disease. Therefore, it has been classified as a Variant of Uncertain Significance.

NM_002299.4(LCT):c.4942G>C (p.Asp1648His)

Gene: LCT (lactase; minus strand). Cytogenetic location: 2q21.3.
Variant type: single nucleotide variant.
Coding change: c.4942G>C on transcript NM_002299.4 (MANE Select); coding-DNA position 4942, G replaced by C.
Protein change: p.Asp1648His; replaces aspartic acid 1648 with histidine.
Molecular consequence: missense variant.
Genome position (GRCh38, 1-based): chr2:135,798,063, C>G on the plus strand (G>C on the coding strand, the complement: LCT is on the minus strand). VCF-style: chr2-135798063-C-G. GRCh37 (hg19) VCF-style: chr2-136555633-C-G.
Other names: c.4942G>C (NM_002299.2); short protein forms D1648H.
Identifiers: ClinVar variation 1473715 (VCV001473715.7), dbSNP rs772515068, ClinGen allele CA1887732.